The following is an entry in ClinVar:

ClinVar aggregate classification (germline): Conflicting classifications of pathogenicity. Review status: criteria provided, conflicting classifications (1 of 4 stars). 3 submissions from 3 submitters: Uncertain significance (1); Likely benign (2). Last evaluated 2026-01-26.

Conditions:
Familial adenomatous polyposis 1 (FAP1). Also called: FAMILIAL ADENOMATOUS POLYPOSIS 1, ATTENUATED; POLYPOSIS, ADENOMATOUS INTESTINAL. Identifiers: MedGen C2713442, MONDO:0021056, OMIM 175100. Disease mechanism: loss of function.
Hereditary cancer-predisposing syndrome. Also called: Hereditary Cancer Syndrome; Tumor predisposition; Hereditary neoplastic syndrome; Neoplastic Syndromes, Hereditary. Identifiers: Orphanet 140162, MedGen C0027672, MeSH D009386, MONDO:0015356.

gnomAD v4.1: 1 of 1,612,526 alleles (0.000062%); highest among the groups gnomAD compares: Non-Finnish European, 0.000085%; no homozygotes.

Submissions (3):

Labcorp Genetics (formerly Invitae), Labcorp
Classification: Likely benign for Familial adenomatous polyposis 1. Last evaluated: 2026-01-26. Review status: criteria provided, single submitter. Criteria: Invitae Variant Classification Sherloc (09022015). Collection method: clinical testing. Allele origin: germline.

Ambry Genetics
Classification: Likely benign for Hereditary cancer-predisposing syndrome. Last evaluated: 2024-02-20. Review status: criteria provided, single submitter. Criteria: Ambry Variant Classification Scheme 2023. Collection method: clinical testing. Allele origin: germline.

Color Diagnostics, LLC DBA Color Health
Classification: Uncertain significance for Hereditary cancer-predisposing syndrome. Last evaluated: 2021-03-17. Review status: criteria provided, single submitter. Criteria: ACMG Guidelines, 2015. Collection method: clinical testing. Allele origin: germline.
Comment: This variant is a synonymous variant in exon 4 of the APC gene. Results from splicing predictions are inconclusive. To our knowledge, functional studies have not been reported for this variant. This variant has not been reported in individuals affected with hereditary cancer in the literature. This variant has not been identified in the general population by the Genome Aggregation Database (gnomAD). The available evidence is insufficient to determine the role of this variant in disease conclusively. Therefore, this variant is classified as a Variant of Uncertain Significance.

NM_000038.6(APC):c.421A>C (p.Arg141=)

Gene: APC (APC regulator of Wnt signaling pathway; plus strand). Cytogenetic location: 5q22.2.
Variant type: single nucleotide variant.
Coding change: c.421A>C on transcript NM_000038.6 (MANE Select); coding-DNA position 421, A replaced by C.
Protein change: p.Arg141=; no amino-acid change (arginine 141 retained).
Molecular consequence: synonymous variant. On other transcripts: 5 prime UTR variant (1).
Genome position (GRCh38, 1-based): chr5:112,767,389, A>C. VCF-style: chr5-112767389-A-C. GRCh37 (hg19) VCF-style: chr5-112103086-A-C.
Other names: c.421A>C, p.Arg141= (NM_001127510.3, NM_001354895.2, NM_001354896.2 and 2 more transcripts); c.451A>C, p.Arg151= (NM_001127511.3, NM_001354897.2, NM_001354902.2); c.346A>C, p.Arg116= (NM_001354898.2, NM_001354904.2); c.244A>C, p.Arg82= (NM_001354900.2, NM_001354901.2, NM_001354905.2); c.-615A>C (NM_001354906.2).
Identifiers: ClinVar variation 644861 (VCV000644861.15), dbSNP rs1561465195, ClinGen allele CA445753448.
Genomic context (GRCh38, chr5:112,767,389, plus strand): 5'-AGAGGGTTTGTAAATGGAAGCAGAGAAAGTACTGGATATTTAGAAGAACTTGAGAAAGAG[A>C]GGTAACTTTTCTTCATATAGTAAACATTGCCTTGTGTACTCCAGTTTATTGTTATTTTGT-3'
Protein context (NP_000029.2, residues 131-151): TGYLEELEKE[Arg141=]SLLLADLDKE